The following is an entry in ClinVar:

NM_001035.3(RYR2):c.11208G>A (p.Ala3736=)

Gene: RYR2 (ryanodine receptor 2; plus strand). Cytogenetic location: 1q43.
Variant type: single nucleotide variant.
Coding change: c.11208G>A on transcript NM_001035.3 (MANE Select); coding-DNA position 11208, G replaced by A.
Protein change: p.Ala3736=; no amino-acid change (alanine 3736 retained).
Molecular consequence: synonymous variant.
Genome position (GRCh38, 1-based): chr1:237,756,350, G>A. VCF-style: chr1-237756350-G-A. GRCh37 (hg19) VCF-style: chr1-237919650-G-A.
Other names: c.11208G>A, p.Ala3736= (LRG_402t1).
Identifiers: ClinVar variation 404186 (VCV000404186.17), dbSNP rs750384592, ClinGen allele CA084820.

ClinVar aggregate classification (germline): Likely benign. Review status: criteria provided, multiple submitters, no conflicts (2 of 4 stars). 7 submissions from 7 submitters: Likely benign (7). Last evaluated 2026-04-01.

Conditions:
Cardiomyopathy (CMYO). Also called: Cardiomyopathies. Identifiers: Orphanet 167848, MedGen C0878544, MONDO:0004994, HP:0001638. Inheritance: Various modes of inheritance.
Catecholaminergic polymorphic ventricular tachycardia 1. Also called: VENTRICULAR TACHYCARDIA, STRESS-INDUCED POLYMORPHIC 1; VENTRICULAR TACHYCARDIA, CATECHOLAMINERGIC POLYMORPHIC, 1, WITH OR WITHOUT ATRIAL DYSFUNCTION AND/OR DILATED CARDIOMYOPATHY; RYR2-Related Catecholaminergic Polymorphic Ventricular Tachycardia. Identifiers: Orphanet 3286, MedGen C1631597, MONDO:0011484, OMIM 604772.
Cardiovascular phenotype. Identifiers: MedGen CN230736.
Catecholaminergic polymorphic ventricular tachycardia (CVPT). Also called: Catecholamine-induced polymorphic ventricular tachycardia. Identifiers: Orphanet 3286, MedGen C5574922, MONDO:0017990.

Allele frequency attached by ClinVar (database versions not stated): gnomAD 0.00002; TOPMed 0.00002.
gnomAD v4.1: 37 of 1,613,298 alleles (0.0023%); highest among the groups gnomAD compares: East Asian, 0.06%; 1 homozygote.

Submissions (7):

CeGaT Center for Human Genetics Tuebingen
Classification: Likely benign. Last evaluated: 2026-04-01. Review status: criteria provided, single submitter. Criteria: CeGaT Center For Human Genetics Tuebingen Variant Classification Criteria Version 2. Collection method: clinical testing. Allele origin: germline. Affected: yes. Observed: 1 variant allele.
Comment: RYR2: BP4, BP7

Labcorp Genetics (formerly Invitae), Labcorp
Classification: Likely benign for Catecholaminergic polymorphic ventricular tachycardia 1. Last evaluated: 2025-10-11. Review status: criteria provided, single submitter. Criteria: Invitae Variant Classification Sherloc (09022015). Collection method: clinical testing. Allele origin: germline.

Blueprint Genetics
Classification: Likely benign. Last evaluated: 2024-10-31. Review status: criteria provided, single submitter. Criteria: ACMG Guidelines, 2015. Collection method: clinical testing. Allele origin: germline.

All of Us Research Program, National Institutes of Health
Classification: Likely benign for Catecholaminergic polymorphic ventricular tachycardia. Last evaluated: 2023-12-13. Review status: criteria provided, single submitter. Criteria: ACMG Guidelines, 2015. Collection method: clinical testing. Allele origin: germline. Inheritance: Autosomal dominant inheritance. Observed: 7 variant alleles, 7 heterozygotes.
Comment: This study involves interpretation of variants in research participants for the purpose of population health screening. Participant phenotype was not available at the time of variant classification. Additional details can be found in publication PMID: 35346344, PMCID: PMC8962531

CHEO Genetics Diagnostic Laboratory, Children's Hospital of Eastern Ontario
Classification: Likely benign for Cardiomyopathy. Last evaluated: 2021-06-18. Review status: criteria provided, single submitter. Criteria: ACMG Guidelines, 2015. Collection method: clinical testing. Allele origin: germline.

Ambry Genetics
Classification: Likely benign for Cardiovascular phenotype. Last evaluated: 2019-04-15. Review status: criteria provided, single submitter. Criteria: Ambry Variant Classification Scheme 2023. Collection method: clinical testing. Allele origin: germline.

Color Diagnostics, LLC DBA Color Health
Classification: Likely benign for Cardiomyopathy. Last evaluated: 2018-12-10. Review status: criteria provided, single submitter. Criteria: ACMG Guidelines, 2015. Collection method: clinical testing. Allele origin: germline.